The following is an entry in ClinVar:

NM_001384732.1(CPLANE1):c.7331G>A (p.Gly2444Glu)

Gene: CPLANE1 (ciliogenesis and planar polarity effector complex subunit 1; minus strand). Cytogenetic location: 5p13.2.
Variant type: single nucleotide variant.
Coding change: c.7331G>A on transcript NM_001384732.1 (MANE Select); coding-DNA position 7331, G replaced by A.
Protein change: p.Gly2444Glu; replaces glycine 2444 with glutamic acid.
Molecular consequence: missense variant.
Genome position (GRCh38, 1-based): chr5:37,167,116, C>T on the plus strand (G>A on the coding strand, the complement: CPLANE1 is on the minus strand). VCF-style: chr5-37167116-C-T. GRCh37 (hg19) VCF-style: chr5-37167218-C-T.
Other names: c.7331G>A, p.Gly2444Glu (NM_023073.4); short protein forms G2444E.
Identifiers: ClinVar variation 353437 (VCV000353437.10), dbSNP rs751548147, ClinGen allele CA3238090.

ClinVar aggregate classification (germline): Uncertain significance. Review status: criteria provided, multiple submitters, no conflicts (2 of 4 stars). 2 submissions from 2 submitters: Uncertain significance (2). Last evaluated 2021-08-24.

Conditions:
Joubert syndrome 17 (JBTS17). Identifiers: Orphanet 475, MedGen C3553264, MONDO:0013824, OMIM 614615.

Allele frequency attached by ClinVar (database versions not stated): gnomAD exomes 0.00001 and 0.00003; TOPMed 0.00001; ExAC 0.00003.
gnomAD v4.1: 12 of 1,612,568 alleles (0.00074%); highest among the groups gnomAD compares: East Asian, 0.025%; no homozygotes.

Submissions (2):

Labcorp Genetics (formerly Invitae), Labcorp
Classification: Uncertain significance. Last evaluated: 2021-08-24. Review status: criteria provided, single submitter. Criteria: Invitae Variant Classification Sherloc (09022015). Collection method: clinical testing. Allele origin: germline.
Comment: This sequence change replaces glycine with glutamic acid at codon 2444 of the CPLANE1 protein (p.Gly2444Glu). The glycine residue is moderately conserved and there is a moderate physicochemical difference between glycine and glutamic acid. This variant is present in population databases (rs751548147, ExAC 0.05%). This variant has not been reported in the literature in individuals affected with CPLANE1-related conditions. ClinVar contains an entry for this variant (Variation ID: 353437). Algorithms developed to predict the effect of missense changes on protein structure and function output the following: SIFT: "Tolerated"; PolyPhen-2: "Benign"; Align-GVGD: "Class C0". The glutamic acid amino acid residue is found in multiple mammalian species, which suggests that this missense change does not adversely affect protein function. In summary, the available evidence is currently insufficient to determine the role of this variant in disease. Therefore, it has been classified as a Variant of Uncertain Significance.

Illumina Laboratory Services, Illumina
Classification: Uncertain significance for Joubert syndrome 17. Last evaluated: 2018-01-12. Review status: criteria provided, single submitter. Criteria: ICSL Variant Classification Criteria 13 December 2019. Collection method: clinical testing. Allele origin: germline.